The following is an entry in ClinVar:

NM_001267550.2(TTN):c.31324G>A (p.Glu10442Lys)

Gene: TTN (titin; minus strand). Cytogenetic location: 2q31.2.
Variant type: single nucleotide variant.
Coding change: c.31324G>A on transcript NM_001267550.2 (MANE Select); coding-DNA position 31324, G replaced by A.
Protein change: p.Glu10442Lys; replaces glutamic acid 10442 with lysine.
Molecular consequence: missense variant. On other transcripts: intron variant (3).
Genome position (GRCh38, 1-based): chr2:178,694,853, C>T on the plus strand (G>A on the coding strand, the complement: TTN is on the minus strand). VCF-style: chr2-178694853-C-T. GRCh37 (hg19) VCF-style: chr2-179559580-C-T.
Other names: c.30373G>A, p.Glu10125Lys (NM_001256850.1); c.27592G>A, p.Glu9198Lys (NM_133378.4); c.13282+43229G>A (NM_003319.4); c.13858+43229G>A (NM_133437.4); c.13657+43229G>A (NM_133432.3); c.31324G>A (NM_001267550.1); short protein forms E10125K, E10442K, E9198K.
Identifiers: ClinVar variation 811839 (VCV000811839.9), dbSNP rs1039659323, ClinGen allele CA60991781.

ClinVar aggregate classification (germline): Uncertain significance. Review status: criteria provided, multiple submitters, no conflicts (2 of 4 stars). 2 submissions from 2 submitters: Uncertain significance (2). Last evaluated 2025-08-11.

Allele frequency attached by ClinVar (database versions not stated): TOPMed 0.00001; gnomAD 0.00001.
gnomAD v4.1: 7 of 1,559,618 alleles (0.00045%); highest among the groups gnomAD compares: Non-Finnish European, 0.00061%; no homozygotes.

Submissions (2):

GeneDx
Classification: Uncertain significance. Last evaluated: 2025-08-11. Review status: criteria provided, single submitter. Criteria: GeneDx Variant Classification Process June 2021. Collection method: clinical testing. Allele origin: germline. Affected: yes.
Comment: Not observed at significant frequency in large population cohorts (gnomAD); Missense variant in a gene in which most reported pathogenic variants are truncating/loss of function; Has not been previously published as pathogenic or benign to our knowledge

ARUP Laboratories, Molecular Genetics and Genomics, ARUP Laboratories
Classification: Uncertain significance. Last evaluated: 2018-12-12. Review status: criteria provided, single submitter. Criteria: ARUP Molecular Germline Variant Investigation Process. Collection method: clinical testing. Allele origin: germline.
Comment: The TTN c.27592G>A; p.Glu9198Lys variant (rs1039659323) is rare in the general population (<1% allele frequency in the Genome Aggregation Database) and has not been reported in the medical literature in association with dilated cardiomyopathy (DCM) or other TTN-related disease. The clinical relevance of rare missense variants in this gene, which are identified on average once per individual sequenced in affected populations (Herman 2012), is not well understood. Yet, evidence suggests that the vast majority of such missense variants do not contribute to the clinical outcome of DCM (Begay 2015). Thus, the clinical significance of the p.Glu9198Lys variant cannot be determined with certainty. References: Begay RL et al. Role of Titin Missense Variants in Dilated Cardiomyopathy. J Am Heart Assoc. 2015 Nov 13;4(11). Herman DS et al. Truncations of titin causing dilated cardiomyopathy. N Engl J Med. 2012 Feb 16;366(7):619-28.